The following is an entry in ClinVar:

ClinVar aggregate classification (germline): Uncertain significance (1 of 4 stars; one submission).

Conditions:
SCLT1-related disorder. Also called: SCLT1-related condition.

Submission:

PreventionGenetics, part of Exact Sciences
Classification: Uncertain significance for SCLT1-related condition. Last evaluated: 2025-03-02. Review status: criteria provided, single submitter. Criteria: ACMG Guidelines, 2015. Collection method: clinical testing. Allele origin: germline.
Comment: The SCLT1 c.1192A>G variant is predicted to result in the amino acid substitution p.Thr398Ala. To our knowledge, this variant has not been reported in the literature or in a large population database (gnomAD), indicating this variant is rare. At this time, the clinical significance of this variant is uncertain due to the absence of conclusive functional and genetic evidence.

NM_144643.4(SCLT1):c.1192A>G (p.Thr398Ala)

Gene: SCLT1 (sodium channel and clathrin linker 1; minus strand). Cytogenetic location: 4q28.2.
Variant type: single nucleotide variant.
Coding change: c.1192A>G on transcript NM_144643.4 (MANE Select); coding-DNA position 1192, A replaced by G.
Protein change: p.Thr398Ala; replaces threonine 398 with alanine.
Molecular consequence: missense variant.
Genome position (GRCh38, 1-based): chr4:128,952,795, T>C on the plus strand (A>G on the coding strand, the complement: SCLT1 is on the minus strand). VCF-style: chr4-128952795-T-C. GRCh37 (hg19) VCF-style: chr4-129873950-T-C.
Other names: c.1192A>G, p.Thr398Ala (NM_001410807.1); short protein forms T398A.
Identifiers: ClinVar variation 4999432 (VCV004999432.1).